The following is an entry in ClinVar:

NM_181458.4(PAX3):c.295G>T (p.Gly99Cys)

Gene: PAX3 (paired box 3; minus strand). Cytogenetic location: 2q36.1.
Variant type: single nucleotide variant.
Coding change: c.295G>T on transcript NM_181458.4 (MANE Select); coding-DNA position 295, G replaced by T.
Protein change: p.Gly99Cys; replaces glycine 99 with cysteine.
Molecular consequence: missense variant.
Genome position (GRCh38, 1-based): chr2:222,297,004, C>A on the plus strand (G>T on the coding strand, the complement: PAX3 is on the minus strand). VCF-style: chr2-222297004-C-A. GRCh37 (hg19) VCF-style: chr2-223161723-C-A.
Other names: c.295G>T, p.Gly99Cys (NM_000438.6, NM_001127366.3, NM_013942.5 and 4 more transcripts); short protein forms G99C.
Identifiers: ClinVar variation 3061153 (VCV003061153.2), dbSNP rs1257524664, ClinGen allele CA351113401.

ClinVar aggregate classification (germline): Uncertain significance (0 of 4 stars; one submission).

Conditions:
PAX3-related disorder. Also called: PAX3-related condition.

Submission:

PreventionGenetics, part of Exact Sciences
Classification: Uncertain significance for PAX3-related condition. Last evaluated: 2024-02-27. Review status: no assertion criteria provided. Collection method: clinical testing. Allele origin: germline.
Comment: The PAX3 c.295G>T variant is predicted to result in the amino acid substitution p.Gly99Cys. To our knowledge, this variant has not been reported in the literature or in a large population database, indicating this variant is rare. A different substitution at this amino acid position (p.Gly99Asp) was reported in three related individuals with Waardenburg syndrome (Tassabehji et al. 1994. PubMed ID: 7981674). Although we suspect that this variant may be pathogenic, at this time, the clinical significance of this variant is uncertain due to the absence of conclusive functional and genetic evidence.